The following is an entry in ClinVar:

NM_000539.3(RHO):c.536T>A (p.Ile179Asn)

Gene: RHO (rhodopsin; plus strand). Cytogenetic location: 3q22.1.
Variant type: single nucleotide variant.
Coding change: c.536T>A on transcript NM_000539.3 (MANE Select); coding-DNA position 536, T replaced by A.
Protein change: p.Ile179Asn; replaces isoleucine 179 with asparagine.
Molecular consequence: missense variant.
Genome position (GRCh38, 1-based): chr3:129,532,256, T>A. VCF-style: chr3-129532256-T-A. GRCh37 (hg19) VCF-style: chr3-129251099-T-A.
Other names: short protein forms I179N.
Identifiers: ClinVar variation 2858897 (VCV002858897.3), dbSNP rs2533026621, ClinGen allele CA354499087.
Genomic context (GRCh38, chr3:129,532,256, plus strand): 5'-CTTGGCTGTTCCCAAGTCCCTCACAGGCAGGGTCTCCCTACCTGCCTGTCCTCAGGTACA[T>A]CCCCGAGGGCCTGCAGTGCTCGTGTGGAATCGACTACTACACGCTCAAGCCGGAGGTCAA-3'
Protein context (NP_000530.1, residues 169-189): APPLAGWSRY[Ile179Asn]PEGLQCSCGI

ClinVar aggregate classification (germline): Uncertain significance (1 of 4 stars; one submission).

Submission:

Labcorp Genetics (formerly Invitae), Labcorp
Classification: Uncertain significance. Last evaluated: 2023-05-20. Review status: criteria provided, single submitter. Criteria: Invitae Variant Classification Sherloc (09022015). Collection method: clinical testing. Allele origin: germline.
Comment: This sequence change replaces isoleucine, which is neutral and non-polar, with asparagine, which is neutral and polar, at codon 179 of the RHO protein (p.Ile179Asn). This variant is not present in population databases (gnomAD no frequency). This variant has not been reported in the literature in individuals affected with RHO-related conditions. Advanced modeling of protein sequence and biophysical properties (such as structural, functional, and spatial information, amino acid conservation, physicochemical variation, residue mobility, and thermodynamic stability) performed at Invitae indicates that this missense variant is expected to disrupt RHO protein function. This variant disrupts the p.Ile179 amino acid residue in RHO. Other variant(s) that disrupt this residue have been determined to be pathogenic (PMID: 17488458). This suggests that this residue is clinically significant, and that variants that disrupt this residue are likely to be disease-causing. In summary, the available evidence is currently insufficient to determine the role of this variant in disease. Therefore, it has been classified as a Variant of Uncertain Significance.

Literature cited by the submitters: PubMed 17488458.